The following is an entry in ClinVar:

NM_016417.3(GLRX5):c.-9C>T

Gene: GLRX5 (glutaredoxin 5; plus strand). Cytogenetic location: 14q32.13.
Variant type: single nucleotide variant.
Coding change: c.-9C>T on transcript NM_016417.3 (MANE Select); 9 bases upstream of the start codon, C replaced by T.
Molecular consequence: 5 prime UTR variant.
Genome position (GRCh38, 1-based): chr14:95,535,081, C>T. VCF-style: chr14-95535081-C-T. GRCh37 (hg19) VCF-style: chr14-96001418-C-T.
Identifiers: ClinVar variation 390407 (VCV000390407.1), dbSNP rs780737253, ClinGen allele CA16606887.

ClinVar aggregate classification (germline): Likely benign (1 of 4 stars; one submission).

Allele frequency attached by ClinVar (database versions not stated): TOPMed 0.00001; gnomAD 0.00001 and 0.00003.
gnomAD v4.1: 3 of 1,334,946 alleles (0.00022%); highest among the groups gnomAD compares: African/African-American, 0.0015%; no homozygotes.

Submission:

GeneDx
Classification: Likely benign. Last evaluated: 2016-11-04. Review status: criteria provided, single submitter. Criteria: GeneDx Variant Classification (06012015). Collection method: clinical testing. Allele origin: germline. Affected: yes.
Comment: This variant is considered likely benign or benign based on one or more of the following criteria: it is a conservative change, it occurs at a poorly conserved position in the protein, it is predicted to be benign by multiple in silico algorithms, and/or has population frequency not consistent with disease.